The following is an entry in ClinVar:

ClinVar aggregate classification (germline): Uncertain significance (1 of 4 stars; one submission).

Submission:

Labcorp Genetics (formerly Invitae), Labcorp
Classification: Uncertain significance. Last evaluated: 2022-10-05. Review status: criteria provided, single submitter. Criteria: Invitae Variant Classification Sherloc (09022015). Collection method: clinical testing. Allele origin: germline.
Comment: In summary, the available evidence is currently insufficient to determine the role of this variant in disease. Therefore, it has been classified as a Variant of Uncertain Significance. Advanced modeling of protein sequence and biophysical properties (such as structural, functional, and spatial information, amino acid conservation, physicochemical variation, residue mobility, and thermodynamic stability) performed at Invitae indicates that this missense variant is not expected to disrupt RARS protein function. This variant has not been reported in the literature in individuals affected with RARS-related conditions. This variant is not present in population databases (gnomAD no frequency). This sequence change replaces isoleucine, which is neutral and non-polar, with threonine, which is neutral and polar, at codon 550 of the RARS protein (p.Ile550Thr).

NM_002887.4(RARS1):c.1649T>C (p.Ile550Thr)

Gene: RARS1 (arginyl-tRNA synthetase 1; plus strand). Cytogenetic location: 5q34.
Variant type: single nucleotide variant.
Coding change: c.1649T>C on transcript NM_002887.4 (MANE Select); coding-DNA position 1649, T replaced by C.
Protein change: p.Ile550Thr; replaces isoleucine 550 with threonine.
Molecular consequence: missense variant.
Genome position (GRCh38, 1-based): chr5:168,517,838, T>C. VCF-style: chr5-168517838-T-C. GRCh37 (hg19) VCF-style: chr5-167944843-T-C.
Other names: short protein forms I550T.
Identifiers: ClinVar variation 2106756 (VCV002106756.4), dbSNP rs2533404371, ClinGen allele CA362085958.
Genomic context (GRCh38, chr5:168,517,838, plus strand): 5'-GTGGTGATTGCCTGATGATTTTTTTGTTTTTTTTAAGGTCTATTGCACGTCTGGCCAATA[T>C]TGATGAAGAAATGCTCCAAAAAGCTGCTCGAGAAACCAAGATTCTTTTGGATCATGAGAA-3'
Protein context (NP_002878.2, residues 540-560): RIRSIARLAN[Ile550Thr]DEEMLQKAAR